The following is an entry in ClinVar:

ClinVar aggregate classification (germline): Uncertain significance (1 of 4 stars; one submission).

gnomAD v4.1: 3 of 1,533,784 alleles (0.0002%); highest among the groups gnomAD compares: African/African-American, 0.0014%; no homozygotes.

Submission:

GeneDx
Classification: Uncertain significance. Last evaluated: 2025-06-29. Review status: criteria provided, single submitter. Criteria: GeneDx Variant Classification Process June 2021. Collection method: clinical testing. Allele origin: germline. Affected: yes.
Comment: Not observed at significant frequency in large population cohorts (gnomAD); In silico analysis supports that this missense variant has a deleterious effect on protein structure/function; Has not been previously published as pathogenic or benign to our knowledge

NM_001145809.2(MYH14):c.3680G>A (p.Arg1227Gln)

Gene: MYH14 (myosin heavy chain 14; plus strand). Cytogenetic location: 19q13.33.
Variant type: single nucleotide variant.
Coding change: c.3680G>A on transcript NM_001145809.2 (MANE Select); coding-DNA position 3680, G replaced by A.
Protein change: p.Arg1227Gln; replaces arginine 1227 with glutamine.
Molecular consequence: missense variant.
Genome position (GRCh38, 1-based): chr19:50,276,203, G>A. VCF-style: chr19-50276203-G-A. GRCh37 (hg19) VCF-style: chr19-50779460-G-A.
Other names: c.3581G>A, p.Arg1194Gln (NM_001077186.2); c.3557G>A, p.Arg1186Gln (NM_024729.4); short protein forms R1186Q, R1194Q, R1227Q.
Identifiers: ClinVar variation 4540113 (VCV004540113.1).